The following is an entry in ClinVar:

NM_019594.4(LRRC8A):c.601G>A (p.Val201Ile)

Gene: LRRC8A (leucine rich repeat containing 8 VRAC subunit A; plus strand). Cytogenetic location: 9q34.11.
Variant type: single nucleotide variant.
Coding change: c.601G>A on transcript NM_019594.4 (MANE Select); coding-DNA position 601, G replaced by A.
Protein change: p.Val201Ile; replaces valine 201 with isoleucine.
Molecular consequence: missense variant.
Genome position (GRCh38, 1-based): chr9:128,907,765, G>A. VCF-style: chr9-128907765-G-A. GRCh37 (hg19) VCF-style: chr9-131670044-G-A.
Other names: c.601G>A, p.Val201Ile (NM_001127244.2, NM_001127245.2); short protein forms V201I.
Identifiers: ClinVar variation 1473080 (VCV001473080.6), dbSNP rs904715452, ClinGen allele CA200414934.

ClinVar aggregate classification (germline): Uncertain significance (1 of 4 stars; one submission).

Allele frequency attached by ClinVar (database versions not stated): gnomAD exomes 0.00001; TOPMed 0.00001; gnomAD 0.00002.
gnomAD v4.1: 10 of 1,613,678 alleles (0.00062%); highest among the groups gnomAD compares: African/African-American, 0.0027%; no homozygotes.

Submission:

Labcorp Genetics (formerly Invitae), Labcorp
Classification: Uncertain significance. Last evaluated: 2023-11-27. Review status: criteria provided, single submitter. Criteria: Invitae Variant Classification Sherloc (09022015). Collection method: clinical testing. Allele origin: germline.
Comment: This sequence change replaces valine, which is neutral and non-polar, with isoleucine, which is neutral and non-polar, at codon 201 of the LRRC8A protein (p.Val201Ile). This variant is not present in population databases (gnomAD no frequency). This variant has not been reported in the literature in individuals affected with LRRC8A-related conditions. ClinVar contains an entry for this variant (Variation ID: 1473080). An algorithm developed to predict the effect of missense changes on protein structure and function (PolyPhen-2) suggests that this variant is likely to be tolerated. In summary, the available evidence is currently insufficient to determine the role of this variant in disease. Therefore, it has been classified as a Variant of Uncertain Significance.